The following is an entry in ClinVar:

NM_001292063.2(OTOG):c.3665G>A (p.Arg1222Gln)

Gene: OTOG (otogelin; plus strand). Cytogenetic location: 11p15.1.
Variant type: single nucleotide variant.
Coding change: c.3665G>A on transcript NM_001292063.2 (MANE Select); coding-DNA position 3665, G replaced by A.
Protein change: p.Arg1222Gln; replaces arginine 1222 with glutamine.
Molecular consequence: missense variant.
Genome position (GRCh38, 1-based): chr11:17,596,990, G>A. VCF-style: chr11-17596990-G-A. GRCh37 (hg19) VCF-style: chr11-17618537-G-A.
Other names: c.3701G>A, p.Arg1234Gln (NM_001277269.2); short protein forms R1222Q, R1234Q.
Identifiers: ClinVar variation 1695516 (VCV001695516.7), dbSNP rs574498870, ClinGen allele CA218462222.
Genomic context (GRCh38, chr11:17,596,990, plus strand): 5'-GTGCCAGCGTCTCCGCTTATGCCCACCAGTGTTGCCAGCATGGGGTGGCTGTTGACTGGC[G>A]AACCCCCCGCCTCTGCCGTGAGTGTCCCAGACAATCACCTGAGGGGACAGAGTAGAGTGT-3'
Protein context (NP_001278992.1, residues 1212-1232): CCQHGVAVDW[Arg1222Gln]TPRLCPYDCD

ClinVar aggregate classification (germline): Uncertain significance. Review status: criteria provided, multiple submitters, no conflicts (2 of 4 stars). 3 submissions from 3 submitters: Uncertain significance (3). Last evaluated 2025-05-22.

Conditions:
OTOG-related disorder. Also called: OTOG-related condition.

Allele frequency attached by ClinVar (database versions not stated): gnomAD 0.00001; gnomAD exomes 0.00003; TOPMed 0.00004; 1000 Genomes Project 0.00020; 1000 Genomes Project 30x 0.00031.
gnomAD v4.1: 36 of 1,548,678 alleles (0.0023%); highest among the groups gnomAD compares: Admixed American, 0.018%; no homozygotes.

Submissions (3):

PreventionGenetics, part of Exact Sciences
Classification: Uncertain significance for OTOG-related condition. Last evaluated: 2025-05-22. Review status: criteria provided, single submitter. Criteria: ACMG Guidelines, 2015. Collection method: clinical testing. Allele origin: germline.
Comment: The OTOG c.3701G>A variant is predicted to result in the amino acid substitution p.Arg1234Gln. To our knowledge, this variant has not been reported in the literature. This variant is reported in 0.020% of alleles in individuals of Latino descent in gnomAD. At this time, the clinical significance of this variant is uncertain due to the absence of conclusive functional and genetic evidence.

GeneDx
Classification: Uncertain significance. Last evaluated: 2024-12-12. Review status: criteria provided, single submitter. Criteria: GeneDx Variant Classification Process June 2021. Collection method: clinical testing. Allele origin: germline. Affected: yes.
Comment: In silico analysis supports that this missense variant has a deleterious effect on protein structure/function; Has not been previously published as pathogenic or benign to our knowledge

Labcorp Genetics (formerly Invitae), Labcorp
Classification: Uncertain significance. Last evaluated: 2022-12-30. Review status: criteria provided, single submitter. Criteria: Invitae Variant Classification Sherloc (09022015). Collection method: clinical testing. Allele origin: germline.
Comment: In summary, the available evidence is currently insufficient to determine the role of this variant in disease. Therefore, it has been classified as a Variant of Uncertain Significance. Algorithms developed to predict the effect of missense changes on protein structure and function (SIFT, PolyPhen-2, Align-GVGD) all suggest that this variant is likely to be disruptive. ClinVar contains an entry for this variant (Variation ID: 1695516). This variant has not been reported in the literature in individuals affected with OTOG-related conditions. This variant is present in population databases (rs574498870, gnomAD 0.02%). This sequence change replaces arginine, which is basic and polar, with glutamine, which is neutral and polar, at codon 1234 of the OTOG protein (p.Arg1234Gln).